The following is an entry in ClinVar:

ClinVar aggregate classification (germline): Uncertain significance. Review status: criteria provided, multiple submitters, no conflicts (2 of 4 stars). 3 submissions from 3 submitters: Uncertain significance (3). Last evaluated 2025-06-09.

Conditions:
Epidermolysis bullosa simplex, Ogna type (EBS5A). Also called: Pidermolysis bullosa simplex 5A, Ogna type; EPIDERMOLYSIS BULLOSA SIMPLEX 5A, OGNA TYPE. Identifiers: Orphanet 79401, MedGen C0432317, MONDO:0007555, OMIM 131950.
Autosomal recessive limb-girdle muscular dystrophy type 2Q (LGMDR17). Also called: MUSCULAR DYSTROPHY, LIMB-GIRDLE, AUTOSOMAL RECESSIVE 17. Identifiers: Orphanet 254361, MedGen C3150989, MONDO:0013390, OMIM 613723.
Epidermolysis bullosa simplex with nail dystrophy (EBS5D). Identifiers: MedGen C4225309, MONDO:0014661, OMIM 616487.
Epidermolysis bullosa simplex 5B, with muscular dystrophy (EBS5B). Also called: Epidermolysis bullosa simplex with muscular dystrophy; EPIDERMOLYSIS BULLOSA SIMPLEX AND LIMB-GIRDLE MUSCULAR DYSTROPHY. Identifiers: Orphanet 257, MedGen C2931072, MONDO:0009181, OMIM 226670.
Epidermolysis bullosa simplex 5C, with pyloric atresia (EBS5C). Also called: PLEC-Related Epidermolysis Bullosa with Pyloric Atresia; Epidermolysis bullosa simplex with pyloric atresia; PLEC1-Related Epidermolysis Bullosa with Pyloric Atresia. Identifiers: Orphanet 158684, MedGen C2677349, MONDO:0012807, OMIM 612138.
Inborn genetic diseases. Identifiers: MedGen C0950123, MeSH D030342.

Allele frequency attached by ClinVar (database versions not stated): TOPMed 0.00001; gnomAD exomes 0.00002; gnomAD 0.00003; ExAC 0.00006.
gnomAD v4.1: 42 of 1,590,828 alleles (0.0026%); highest among the groups gnomAD compares: East Asian, 0.0068%; no homozygotes.

Submissions (3):

Labcorp Genetics (formerly Invitae), Labcorp
Classification: Uncertain significance for Autosomal recessive limb-girdle muscular dystrophy type 2Q; Epidermolysis bullosa simplex, Ogna type; Epidermolysis bullosa simplex with nail dystrophy; Epidermolysis bullosa simplex 5C, with pyloric atresia; Epidermolysis bullosa simplex 5B, with muscular dystrophy. Last evaluated: 2025-06-09. Review status: criteria provided, single submitter. Criteria: Invitae Variant Classification Sherloc (09022015). Collection method: clinical testing. Allele origin: germline.
Comment: This sequence change replaces arginine, which is basic and polar, with glutamine, which is neutral and polar, at codon 4525 of the PLEC protein (p.Arg4525Gln). This variant is present in population databases (rs782435339, gnomAD 0.005%). This variant has not been reported in the literature in individuals affected with PLEC-related conditions. ClinVar contains an entry for this variant (Variation ID: 644156). Experimental studies and prediction algorithms are not available or were not evaluated, and the functional significance of this variant is currently unknown. In summary, the available evidence is currently insufficient to determine the role of this variant in disease. Therefore, it has been classified as a Variant of Uncertain Significance.

Revvity Omics, Revvity
Classification: Uncertain significance. Last evaluated: 2023-11-21. Review status: criteria provided, single submitter. Criteria: ACMG Guidelines, 2015. Collection method: clinical testing. Allele origin: germline.

Ambry Genetics
Classification: Uncertain significance for Inborn genetic diseases. Last evaluated: 2022-12-19. Review status: criteria provided, single submitter. Criteria: Ambry Variant Classification Scheme 2023. Collection method: clinical testing. Allele origin: germline.

NM_201384.3(PLEC):c.13493G>A (p.Arg4498Gln)

Gene: PLEC (plectin; minus strand). Cytogenetic location: 8q24.3.
Variant type: single nucleotide variant.
Coding change: c.13493G>A on transcript NM_201384.3 (MANE Select); coding-DNA position 13493, G replaced by A.
Protein change: p.Arg4498Gln; replaces arginine 4498 with glutamine.
Molecular consequence: missense variant.
Genome position (GRCh38, 1-based): chr8:143,916,328, C>T on the plus strand (G>A on the coding strand, the complement: PLEC is on the minus strand). VCF-style: chr8-143916328-C-T. GRCh37 (hg19) VCF-style: chr8-144990496-C-T.
Other names: c.13574G>A (NM_000445.3); c.13574G>A, p.Arg4525Gln (NM_000445.5); c.13451G>A, p.Arg4484Gln (NM_201378.4); c.13427G>A, p.Arg4476Gln (NM_201379.3); c.13904G>A, p.Arg4635Gln (NM_201380.4); c.13397G>A, p.Arg4466Gln (NM_201381.3); c.13493G>A, p.Arg4498Gln (NM_201382.4); c.13505G>A, p.Arg4502Gln (NM_201383.3); short protein forms R4484Q, R4476Q, R4525Q, R4466Q, R4502Q, R4635Q, R4498Q.
Identifiers: ClinVar variation 644156 (VCV000644156.11), dbSNP rs782435339, ClinGen allele CA4923781.